The following is an entry in ClinVar:

NM_001035.3(RYR2):c.13243G>C (p.Val4415Leu)

Genes: RYR2 (ryanodine receptor 2; plus strand), LOC126806068 (BRD4-independent group 4 enhancer GRCh37_chr1:237947411-237948610; plus strand). Cytogenetic location: 1q43.
Variant type: single nucleotide variant.
Coding change: c.13243G>C on transcript NM_001035.3 (MANE Select); coding-DNA position 13243, G replaced by C.
Protein change: p.Val4415Leu; replaces valine 4415 with leucine.
Molecular consequence: missense variant.
Genome position (GRCh38, 1-based): chr1:237,784,955, G>C. VCF-style: chr1-237784955-G-C. GRCh37 (hg19) VCF-style: chr1-237948255-G-C.
Other names: short protein forms V4415L.
Identifiers: ClinVar variation 4614861 (VCV004614861.2).

ClinVar aggregate classification (germline): Uncertain significance. Review status: criteria provided, multiple submitters, no conflicts (2 of 4 stars). 2 submissions from 2 submitters: Uncertain significance (2). Last evaluated 2025-12-04.

Conditions:
Cardiovascular phenotype. Identifiers: MedGen CN230736.
Catecholaminergic polymorphic ventricular tachycardia 1. Also called: RYR2-Related Catecholaminergic Polymorphic Ventricular Tachycardia; VENTRICULAR TACHYCARDIA, STRESS-INDUCED POLYMORPHIC 1; VENTRICULAR TACHYCARDIA, CATECHOLAMINERGIC POLYMORPHIC, 1, WITH OR WITHOUT ATRIAL DYSFUNCTION AND/OR DILATED CARDIOMYOPATHY. Identifiers: Orphanet 3286, MedGen C1631597, MONDO:0011484, OMIM 604772.

Submissions (2):

Ambry Genetics
Classification: Uncertain significance for Cardiovascular phenotype. Last evaluated: 2025-12-04. Review status: criteria provided, single submitter. Criteria: Ambry Variant Classification Scheme 2023. Collection method: clinical testing. Allele origin: germline.
Comment: The p.V4415L variant (also known as c.13243G>C), located in coding exon 90 of the RYR2 gene, results from a G to C substitution at nucleotide position 13243. The valine at codon 4415 is replaced by leucine, an amino acid with highly similar properties. This amino acid position is not well conserved in available vertebrate species. In addition, this alteration is predicted to be tolerated by in silico analysis. Based on the available evidence, the clinical significance of this variant remains unclear.

Labcorp Genetics (formerly Invitae), Labcorp
Classification: Uncertain significance for Catecholaminergic polymorphic ventricular tachycardia 1. Last evaluated: 2025-11-21. Review status: criteria provided, single submitter. Criteria: Invitae Variant Classification Sherloc (09022015). Collection method: clinical testing. Allele origin: germline.
Comment: This sequence change replaces valine, which is neutral and non-polar, with leucine, which is neutral and non-polar, at codon 4415 of the RYR2 protein (p.Val4415Leu). This variant is not present in population databases (gnomAD no frequency). This variant has not been reported in the literature in individuals affected with RYR2-related conditions. Invitae Evidence Modeling of protein sequence and biophysical properties (such as structural, functional, and spatial information, amino acid conservation, physicochemical variation, residue mobility, and thermodynamic stability) indicates that this missense variant is not expected to disrupt RYR2 protein function with a negative predictive value of 95%. In summary, the available evidence is currently insufficient to determine the role of this variant in disease. Therefore, it has been classified as a Variant of Uncertain Significance.